The following is an entry in ClinVar:

ClinVar aggregate classification (germline): Uncertain significance (1 of 4 stars; one submission).

Submission:

Labcorp Genetics (formerly Invitae), Labcorp
Classification: Uncertain significance. Last evaluated: 2022-09-14. Review status: criteria provided, single submitter. Criteria: Invitae Variant Classification Sherloc (09022015). Collection method: clinical testing. Allele origin: germline.
Comment: Advanced modeling of protein sequence and biophysical properties (such as structural, functional, and spatial information, amino acid conservation, physicochemical variation, residue mobility, and thermodynamic stability) performed at Invitae indicates that this missense variant is not expected to disrupt KCNQ5 protein function. In summary, the available evidence is currently insufficient to determine the role of this variant in disease. Therefore, it has been classified as a Variant of Uncertain Significance. This variant has not been reported in the literature in individuals affected with KCNQ5-related conditions. This variant is not present in population databases (gnomAD no frequency). This sequence change replaces methionine, which is neutral and non-polar, with isoleucine, which is neutral and non-polar, at codon 167 of the KCNQ5 protein (p.Met167Ile).

NM_019842.4(KCNQ5):c.501G>T (p.Met167Ile)

Gene: KCNQ5 (potassium voltage-gated channel subfamily Q member 5; plus strand). Cytogenetic location: 6q13.
Variant type: single nucleotide variant.
Coding change: c.501G>T on transcript NM_019842.4 (MANE Select); coding-DNA position 501, G replaced by T.
Protein change: p.Met167Ile; replaces methionine 167 with isoleucine.
Molecular consequence: missense variant.
Genome position (GRCh38, 1-based): chr6:73,041,947, G>T. VCF-style: chr6-73041947-G-T. GRCh37 (hg19) VCF-style: chr6-73751670-G-T.
Other names: c.501G>T, p.Met167Ile (NM_001160130.2, NM_001160132.2, NM_001160133.2 and 1 more transcripts); short protein forms M167I.
Identifiers: ClinVar variation 1719424 (VCV001719424.5), dbSNP rs867465904, ClinGen allele CA364825079.
Genomic context (GRCh38, chr6:73,041,947, plus strand): 5'-GGTTTGCTCCATAATGCTTCTCTCTGATATGTCTTATCTGATATTTTAGGAGTTCGTGAT[G>T]ATTGTCGTCTTTGGTTTGGAGTTCATCATTCGAATCTGGTCTGCGGGTTGCTGTTGTCGA-3'
Protein context (NP_062816.2, residues 157-177): SSCLLILEFV[Met167Ile]IVVFGLEFII